The following is an entry in ClinVar:

NM_001135705.3(ACBD4):c.100C>T (p.Pro34Ser)

Gene: ACBD4 (acyl-CoA binding domain containing 4; plus strand). Cytogenetic location: 17q21.31.
Variant type: single nucleotide variant.
Coding change: c.100C>T on transcript NM_001135705.3 (MANE Select); coding-DNA position 100, C replaced by T.
Protein change: p.Pro34Ser; replaces proline 34 with serine.
Molecular consequence: missense variant. On other transcripts: 5 prime UTR variant (1).
Genome position (GRCh38, 1-based): chr17:45,136,511, C>T. VCF-style: chr17-45136511-C-T. GRCh37 (hg19) VCF-style: chr17-43213878-C-T.
Other names: NM_001135704.1:c.100C>T; c.100C>T, p.Pro34Ser (NM_001135706.3, NM_001135707.3, NM_001321352.2 and 4 more transcripts); c.-206C>T (NM_001378112.1); short protein forms P34S.
Identifiers: ClinVar variation 3135891 (VCV003135891.2), dbSNP rs577647382, ClinGen allele CA8611602.

ClinVar aggregate classification (germline): Uncertain significance (1 of 4 stars; one submission).

Allele frequency attached by ClinVar (database versions not stated): TOPMed 0.00003; gnomAD exomes 0.00002; gnomAD 0.00004; ExAC 0.00007.
gnomAD v4.1: 69 of 1,613,152 alleles (0.0043%); highest among the groups gnomAD compares: East Asian, 0.051%; 1 homozygote.

Submission:

Ambry Genetics
Classification: Uncertain significance. Last evaluated: 2026-08-18. Review status: criteria provided, single submitter. Criteria: Ambry Variant Classification Scheme 2023. Collection method: clinical testing. Allele origin: germline.
Comment: The c.100C>T (p.P34S) alteration is located in exon 5 (coding exon 2) of the ACBD4 gene. This alteration results from a C to T substitution at nucleotide position 100, causing the proline (P) at amino acid position 34 to be replaced by a serine (S). Based on data from gnomAD, the T allele has an overall frequency of 0.005% (15/279956) total alleles studied. The highest observed frequency was 0.077% (15/19524) of East Asian alleles. Based on insufficient or conflicting evidence, the clinical significance of this alteration remains unclear.